The following is an entry in ClinVar:

ClinVar aggregate classification (germline): Pathogenic (1 of 4 stars; one submission).

Submission:

Labcorp Genetics (formerly Invitae), Labcorp
Classification: Pathogenic. Last evaluated: 2025-02-05. Review status: criteria provided, single submitter. Criteria: Invitae Variant Classification Sherloc (09022015). Collection method: clinical testing. Allele origin: germline.
Comment: This sequence change creates a premature translational stop signal (p.Glu605Serfs*7) in the LZTR1 gene. It is expected to result in an absent or disrupted protein product. Loss-of-function variants in LZTR1 are known to be pathogenic (PMID: 24362817, 25335493, 25480913, 25795793, 29469822, 30368668, 30442762, 30442766, 30481304, 30859559). This variant is not present in population databases (gnomAD no frequency). This variant has not been reported in the literature in individuals affected with LZTR1-related conditions. For these reasons, this variant has been classified as Pathogenic.

Literature cited by the submitters: PubMed 24362817; PubMed 25335493; PubMed 25480913; PubMed 25795793; PubMed 29469822; PubMed 30368668; PubMed 30442762; PubMed 30442766; PubMed 30481304; PubMed 30859559.

NM_006767.4(LZTR1):c.1813del (p.Glu605fs)

Gene: LZTR1 (leucine zipper like post translational regulator 1; plus strand). Cytogenetic location: 22q11.21.
Variant type: Deletion.
Coding change: c.1813del on transcript NM_006767.4 (MANE Select); coding-DNA position 1813, one base deleted (G; older notation c.1813delG).
Protein change: p.Glu605fs; shifts the reading frame from glutamic acid 605.
Molecular consequence: frameshift variant.
Genome position (GRCh38, 1-based): chr22:20,994,897, G deleted; the last of 2 consecutive G bases (chr22:20,994,896-20,994,897); deleting either gives the same sequence. VCF-style (leftmost placement, unchanged base first): chr22-20994895-AG-A. GRCh37 (hg19) VCF-style: chr22-21349184-AG-A.
Other names: short protein forms E605fs.
Identifiers: ClinVar variation 3717483 (VCV003717483.2).